The following is an entry in ClinVar:

NM_014714.4(IFT140):c.1083C>T (p.Pro361=)

Genes: IFT140 (intraflagellar transport 140; minus strand), LOC105371046 (uncharacterized LOC105371046; plus strand). Cytogenetic location: 16p13.3.
Variant type: single nucleotide variant.
Coding change: c.1083C>T on transcript NM_014714.4 (MANE Select); coding-DNA position 1083, C replaced by T.
Protein change: p.Pro361=; no amino-acid change (proline 361 retained).
Molecular consequence: synonymous variant.
Genome position (GRCh38, 1-based): chr16:1,586,202, G>A on the plus strand (C>T on the coding strand, the complement: IFT140 is on the minus strand). VCF-style: chr16-1586202-G-A. GRCh37 (hg19) VCF-style: chr16-1636203-G-A.
Identifiers: ClinVar variation 318195 (VCV000318195.18), dbSNP rs143014223, ClinGen allele CA7814440.
Genomic context (GRCh38, chr16:1,586,202, plus strand): 5'-GATGTTTCCTTGGAGCTCGGTAGGGGTCTGAAGGGCCCACCTGTCCTTGCCCTCTGCCCC[G>A]GGGCTGCCCAGGAAGTCTGGTACTTTCCTCCACATGGCTACTCGCCCTCTGTCGGTACCA-3'
Protein context (NP_055529.2, residues 351-371): WRKVPDFLGS[Pro361=]GAEGKDRWAL

ClinVar aggregate classification (germline): Benign/Likely benign. Review status: criteria provided, multiple submitters, no conflicts (2 of 4 stars). 5 submissions from 5 submitters: Benign (4); Likely benign (1). Last evaluated 2026-02-04.

Conditions:
Saldino-Mainzer syndrome (SRTD9). Also called: short-rib thoracic dysplasia 9 with or without polydactyly; CONORENAL SYNDROME; Renal dysplasia, retinal pigmentary dystrophy, cerebellar ataxia and skeletal dysplasia; SHORT-RIB THORACIC DYSPLASIA 9 WITHOUT POLYDACTYLY. Identifiers: Orphanet 140969, MedGen C1849437, MONDO:0009964, OMIM 266920.
Retinitis pigmentosa 80 (RP80). Identifiers: MedGen C4540439, MONDO:0054708, OMIM 617781.
Retinal dystrophy. Also called: Inherited retinal dystrophy. Identifiers: Orphanet 71862, MedGen C0854723, MeSH D058499, MONDO:0019118, HP:0000556.

Allele frequency attached by ClinVar (database versions not stated): ESP Exome Variant Server 0.00023; gnomAD 0.00077 and 0.00103; gnomAD exomes 0.00080 and 0.00205; TOPMed 0.00142; ExAC 0.00221; 1000 Genomes Project 30x 0.00484; 1000 Genomes Project 0.00519.
gnomAD v4.1: 1,319 of 1,614,060 alleles (0.082%); highest among the groups gnomAD compares: East Asian, 2.5%; 15 homozygotes.

Submissions (5):

Labcorp Genetics (formerly Invitae), Labcorp
Classification: Benign for Saldino-Mainzer syndrome. Last evaluated: 2026-02-04. Review status: criteria provided, single submitter. Criteria: Invitae Variant Classification Sherloc (09022015). Collection method: clinical testing. Allele origin: germline.

Blueprint Genetics
Classification: Likely benign. Last evaluated: 2024-11-18. Review status: criteria provided, single submitter. Criteria: ACMG Guidelines, 2015. Collection method: clinical testing. Allele origin: germline.

Dept Of Ophthalmology, Nagoya University
Classification: Benign for Retinal dystrophy. Last evaluated: 2023-10-01. Review status: criteria provided, single submitter. Criteria: Submitter's publication. Collection method: research. Allele origin: germline. Affected: yes.

Fulgent Genetics
Classification: Benign for Saldino-Mainzer syndrome; Retinitis pigmentosa 80. Last evaluated: 2021-08-23. Review status: criteria provided, single submitter. Criteria: ACMG Guidelines, 2015. Collection method: clinical testing. Allele origin: unknown.

Illumina Laboratory Services, Illumina
Classification: Benign for Saldino-Mainzer syndrome. Last evaluated: 2018-01-13. Review status: criteria provided, single submitter. Criteria: ICSL Variant Classification Criteria 13 December 2019. Collection method: clinical testing. Allele origin: germline.
Comment: This variant was observed in the ICSL laboratory as part of a predisposition screen in an ostensibly healthy population. It had not been previously curated by ICSL or reported in the Human Gene Mutation Database (HGMD: prior to June 1st, 2018), and was therefore a candidate for classification through an automated scoring system. Utilizing variant allele frequency, disease prevalence and penetrance estimates, and inheritance mode, an automated score was calculated to assess if this variant is too frequent to cause the disease. Based on the score and internal cut-off values, a variant classified as benign is not then subjected to further curation. The score for this variant resulted in a classification of benign for this disease.